The following is an entry in ClinVar:

ClinVar aggregate classification (germline): Uncertain significance (1 of 4 stars; one submission).

Conditions:
Autosomal recessive early-onset Parkinson disease 6 (PARK6). Also called: PARKINSON DISEASE 6, EARLY-ONSET; PARKINSON DISEASE 6, MODIFIER OF; PINK1-Related Parkinson Disease; PINK1 Type of Young-Onset Parkinson Disease. Identifiers: Orphanet 2828, MedGen C1853833, MONDO:0011613, OMIM 605909.

Allele frequency attached by ClinVar (database versions not stated): gnomAD 0.00001; gnomAD exomes 0.00001 and 0.00004; TOPMed 0.00001; ESP Exome Variant Server 0.00008.
gnomAD v4.1: 67 of 1,614,020 alleles (0.0042%); highest among the groups gnomAD compares: Non-Finnish European, 0.0054%; no homozygotes.

Submission:

Labcorp Genetics (formerly Invitae), Labcorp
Classification: Uncertain significance for Autosomal recessive early-onset Parkinson disease 6. Last evaluated: 2022-07-12. Review status: criteria provided, single submitter. Criteria: Invitae Variant Classification Sherloc (09022015). Collection method: clinical testing. Allele origin: germline.
Comment: This variant is present in population databases (rs376829940, gnomAD 0.004%). This sequence change replaces aspartic acid, which is acidic and polar, with valine, which is neutral and non-polar, at codon 481 of the PINK1 protein (p.Asp481Val). This variant has not been reported in the literature in individuals affected with PINK1-related conditions. ClinVar contains an entry for this variant (Variation ID: 1408940). Algorithms developed to predict the effect of missense changes on protein structure and function are either unavailable or do not agree on the potential impact of this missense change (SIFT: "Tolerated"; PolyPhen-2: "Probably Damaging"; Align-GVGD: "Class C0"). In summary, the available evidence is currently insufficient to determine the role of this variant in disease. Therefore, it has been classified as a Variant of Uncertain Significance.

NM_032409.3(PINK1):c.1442A>T (p.Asp481Val)

Genes: PINK1 (PTEN induced kinase 1; plus strand), PINK1-AS (PINK1 antisense RNA; minus strand). Cytogenetic location: 1p36.12.
Variant type: single nucleotide variant.
Coding change: c.1442A>T on transcript NM_032409.3 (MANE Select); coding-DNA position 1442, A replaced by T.
Protein change: p.Asp481Val; replaces aspartic acid 481 with valine.
Molecular consequence: missense variant. On other transcripts: non-coding transcript variant (1).
Genome position (GRCh38, 1-based): chr1:20,649,185, A>T. VCF-style: chr1-20649185-A-T. GRCh37 (hg19) VCF-style: chr1-20975678-A-T.
Other names: short protein forms D481V.
Identifiers: ClinVar variation 1408940 (VCV001408940.7), dbSNP rs376829940, ClinGen allele CA18961658.
Genomic context (GRCh38, chr1:20,649,185, plus strand): 5'-TTGAAAGCCGCAGCTACCAAGAGGCTCAGCTACCTGCACTGCCCGAGTCAGTGCCTCCAG[A>T]CGTGAGACAGTTGGTGAGGGCACTGCTCCAGCGAGAGGCCAGCAAGGTGAGGCTGTCCCC-3'
Protein context (NP_115785.1, residues 471-491): LPALPESVPP[Asp481Val]VRQLVRALLQ